The following is an entry in ClinVar:

ClinVar aggregate classification (germline): Uncertain significance (1 of 4 stars; one submission).

gnomAD v4.1: 7 of 1,577,018 alleles (0.00044%); highest among the groups gnomAD compares: Non-Finnish European, 0.00043%; no homozygotes.

Submission:

Labcorp Genetics (formerly Invitae), Labcorp
Classification: Uncertain significance. Last evaluated: 2022-12-25. Review status: criteria provided, single submitter. Criteria: Invitae Variant Classification Sherloc (09022015). Collection method: clinical testing. Allele origin: germline.
Comment: This sequence change replaces alanine, which is neutral and non-polar, with glutamic acid, which is acidic and polar, at codon 856 of the ARHGEF1 protein (p.Ala856Glu). This variant is present in population databases (no rsID available, gnomAD 0.005%). This variant has not been reported in the literature in individuals affected with ARHGEF1-related conditions. Algorithms developed to predict the effect of missense changes on protein structure and function (SIFT, PolyPhen-2, Align-GVGD) all suggest that this variant is likely to be tolerated. Algorithms developed to predict the effect of sequence changes on RNA splicing suggest that this variant may create or strengthen a splice site. In summary, the available evidence is currently insufficient to determine the role of this variant in disease. Therefore, it has been classified as a Variant of Uncertain Significance.

NM_004706.4(ARHGEF1):c.2522C>A (p.Ala841Glu)

Gene: ARHGEF1 (Rho guanine nucleotide exchange factor 1; plus strand). Cytogenetic location: 19q13.2.
Variant type: single nucleotide variant.
Coding change: c.2522C>A on transcript NM_004706.4 (MANE Select); coding-DNA position 2522, C replaced by A.
Protein change: p.Ala841Glu; replaces alanine 841 with glutamic acid.
Molecular consequence: missense variant. On other transcripts: non-coding transcript variant (2), intron variant (4).
Genome position (GRCh38, 1-based): chr19:41,906,487, C>A. VCF-style: chr19-41906487-C-A. GRCh37 (hg19) VCF-style: chr19-42410639-C-A.
Other names: c.2690C>A, p.Ala897Glu (NM_001396000.1); c.2423C>A, p.Ala808Glu (NM_198977.2); c.2567C>A, p.Ala856Glu (NM_199002.2); c.2492-216C>A (NM_001396003.1, NM_001396006.1); c.2393-216C>A (NM_001396002.1, NM_001396004.1); short protein forms A856E, A897E, A808E, A841E.
Identifiers: ClinVar variation 2965128 (VCV002965128.3), dbSNP rs375950739, ClinGen allele CA406069476.